The following is an entry in ClinVar:

NM_080669.6(SLC46A1):c.419A>C (p.His140Pro)

Gene: SLC46A1 (solute carrier family 46 member 1; minus strand). Cytogenetic location: 17q11.2.
Variant type: single nucleotide variant.
Coding change: c.419A>C on transcript NM_080669.6 (MANE Select); coding-DNA position 419, A replaced by C.
Protein change: p.His140Pro; replaces histidine 140 with proline.
Molecular consequence: missense variant.
Genome position (GRCh38, 1-based): chr17:28,405,278, T>G on the plus strand (A>C on the coding strand, the complement: SLC46A1 is on the minus strand). VCF-style: chr17-28405278-T-G. GRCh37 (hg19) VCF-style: chr17-26732296-T-G.
Other names: c.419A>C, p.His140Pro (NM_001242366.3); short protein forms H140P.
Identifiers: ClinVar variation 1485379 (VCV001485379.6), dbSNP rs781968356, ClinGen allele CA8458333.

ClinVar aggregate classification (germline): Uncertain significance (1 of 4 stars; one submission).

Submission:

Labcorp Genetics (formerly Invitae), Labcorp
Classification: Uncertain significance. Last evaluated: 2021-10-29. Review status: criteria provided, single submitter. Criteria: Invitae Variant Classification Sherloc (09022015). Collection method: clinical testing. Allele origin: germline.
Comment: In summary, the available evidence is currently insufficient to determine the role of this variant in disease. Therefore, it has been classified as a Variant of Uncertain Significance. Experimental studies and prediction algorithms are not available or were not evaluated, and the functional significance of this variant is currently unknown. This variant has not been reported in the literature in individuals affected with SLC46A1-related conditions. This variant is not present in population databases (gnomAD no frequency). This sequence change replaces histidine, which is basic and polar, with proline, which is neutral and non-polar, at codon 140 of the SLC46A1 protein (p.His140Pro).